The following is an entry in ClinVar:

NC_000008.10:g.(?_6289000)_(6289127_?)del

Gene: MCPH1 (microcephalin 1; plus strand). Cytogenetic location: 8p23.1.
Variant type: Deletion.
Identifiers: ClinVar variation 3245594 (VCV003245594.1).

ClinVar aggregate classification (germline): Pathogenic (1 of 4 stars; one submission).

Submission:

Labcorp Genetics (formerly Invitae), Labcorp
Classification: Pathogenic. Last evaluated: 2023-11-03. Review status: criteria provided, single submitter. Criteria: Invitae Variant Classification Sherloc (09022015). Collection method: clinical testing. Allele origin: unknown.
Comment: This variant is a gross deletion of the genomic region encompassing exon(s) 4 of the MCPH1 gene. This deletion is out-of-frame, and is expected to create a premature termination codon and result in an absent or disrupted protein product. Loss-of-function variants in MCPH1 are known to be pathogenic (PMID: 20978018). A similar copy number variant has been observed in individual(s) with primary microcephaly (PMID: 20978018). For these reasons, this variant has been classified as Pathogenic.

Literature cited by the submitters: PubMed 20978018.